The following is an entry in ClinVar:

NM_000059.4(BRCA2):c.2681dup (p.Ala895fs)

Gene: BRCA2 (BRCA2 DNA repair associated; plus strand). Cytogenetic location: 13q13.1.
Variant type: Duplication.
Coding change: c.2681dup on transcript NM_000059.4 (MANE Select); coding-DNA position 2681, one base duplicated (T; older notation c.2681dupT).
Protein change: p.Ala895fs; shifts the reading frame from alanine 895.
Molecular consequence: frameshift variant.
Genome position (GRCh38, 1-based): chr13:32,337,036, T duplicated. VCF-style (leftmost placement, unchanged base first): chr13-32337035-G-GT. GRCh37 (hg19) VCF-style: chr13-32911172-G-GT.
Other names: c.2681dup, p.Ala895Serfs (NM_001406719.1, NM_001406720.1); c.2681dupT (NM_000059.3); short protein forms A895fs.
Identifiers: ClinVar variation 1794687 (VCV001794687.2), dbSNP rs2548524486, ClinGen allele CA2580087295.

ClinVar aggregate classification (germline): Pathogenic (1 of 4 stars; one submission).

Conditions:
Hereditary cancer-predisposing syndrome. Also called: Tumor predisposition; Hereditary Cancer Syndrome; Neoplastic Syndromes, Hereditary; Hereditary neoplastic syndrome. Identifiers: Orphanet 140162, MedGen C0027672, MeSH D009386, MONDO:0015356.

Submission:

Ambry Genetics
Classification: Pathogenic for Hereditary cancer-predisposing syndrome. Last evaluated: 2021-12-29. Review status: criteria provided, single submitter. Criteria: Ambry Variant Classification Scheme 2023. Collection method: clinical testing. Allele origin: germline.
Comment: The c.2681dupT pathogenic mutation, located in coding exon 10 of the BRCA2 gene, results from a duplication of T at nucleotide position 2681, causing a translational frameshift with a predicted alternate stop codon (p.A895Sfs*2). This variant is considered to be rare based on population cohorts in the Genome Aggregation Database (gnomAD). This alteration is expected to result in loss of function by premature protein truncation or nonsense-mediated mRNA decay. As such, this alteration is interpreted as a disease-causing mutation.